The following is an entry in ClinVar:

ClinVar aggregate classification (germline): Conflicting classifications of pathogenicity. Review status: criteria provided, conflicting classifications (1 of 4 stars). 5 submissions from 5 submitters: Pathogenic (3); Likely pathogenic (1); Uncertain significance (1). Last evaluated 2026-02-01.

Conditions:
TRPM1-related disorder. Also called: TRPM1-related condition.

Allele frequency attached by ClinVar (database versions not stated): gnomAD exomes 0.00004 and 0.00008; ExAC 0.00001; TOPMed 0.00005; gnomAD 0.00004 and 0.00003.
gnomAD v4.1: 126 of 1,614,036 alleles (0.0078%); highest among the groups gnomAD compares: Non-Finnish European, 0.01%; 1 homozygote.

Submissions (5):

Labcorp Genetics (formerly Invitae), Labcorp
Classification: Pathogenic. Last evaluated: 2026-02-01. Review status: criteria provided, single submitter. Criteria: Invitae Variant Classification Sherloc (09022015). Collection method: clinical testing. Allele origin: germline.
Comment: This sequence change replaces arginine, which is basic and polar, with tryptophan, which is neutral and slightly polar, at codon 928 of the TRPM1 protein (p.Arg928Trp). This variant is present in population databases (rs727504182, gnomAD 0.008%). This missense change has been observed in individuals with congenital stationary night blindness (CSNB) (PMID: 28341476, 31725702, 32141364, 35119454). ClinVar contains an entry for this variant (Variation ID: 167749). Invitae Evidence Modeling of protein sequence and biophysical properties (such as structural, functional, and spatial information, amino acid conservation, physicochemical variation, residue mobility, and thermodynamic stability) has been performed for this missense variant. However, the output from this modeling did not meet the statistical confidence thresholds required to predict the impact of this variant on TRPM1 protein function. This variant disrupts the p.Arg928 amino acid residue in TRPM1. Other variant(s) that disrupt this residue have been determined to be pathogenic (PMID: 24715752, 31427709). This suggests that this residue is clinically significant, and that variants that disrupt this residue are likely to be disease-causing. For these reasons, this variant has been classified as Pathogenic.

PreventionGenetics, part of Exact Sciences
Classification: Likely pathogenic for TRPM1-related condition. Last evaluated: 2024-12-18. Review status: criteria provided, single submitter. Criteria: ACMG Guidelines, 2015. Collection method: clinical testing. Allele origin: germline.
Comment: The TRPM1 c.2899C>T variant is predicted to result in the amino acid substitution p.Arg967Trp. This variant can also be denoted as c.2782C>T (p.Arg928Trp) in transcript NM_002420.5. This variant has been reported along with a second TRPM1 variant in multiple individuals with retinal disease (Table S5, Taylor et al. 2017. PubMed ID: 28341476; Khan et al. 2019. PubMed ID: 31725702; Supplemental Table, Zanolli et al. 2020. PubMed ID: 32141364; Table S2, Del Pozo-Valero. 2022. PubMed ID: 35119454). This variant is present in 0.0083% of alleles in individuals of African descent in gnomAD. This variant is interpreted as likely pathogenic.

Blueprint Genetics
Classification: Pathogenic for TRPM1-related disorders. Last evaluated: 2022-10-13. Review status: criteria provided, single submitter. Criteria: ACMG Guidelines, 2015. Collection method: clinical testing. Allele origin: germline. Affected: yes. Observed: 5 variant alleles.

CeGaT Center for Human Genetics Tuebingen
Classification: Pathogenic. Last evaluated: 2020-06-01. Review status: criteria provided, single submitter. Criteria: CeGaT Center For Human Genetics Tuebingen Variant Classification Criteria Version 2. Collection method: clinical testing. Allele origin: germline. Affected: yes. Observed: 4 variant alleles.

Eurofins Ntd Llc (ga)
Classification: Uncertain significance. Last evaluated: 2017-09-21. Review status: criteria provided, single submitter. Criteria: EGL Classification Definitions 2015. Collection method: clinical testing. Allele origin: germline. Observed: 2 variant alleles, 2 heterozygotes.

Literature cited by the submitters: PubMed 28341476 (cited by Labcorp Genetics (formerly Invitae), Labcorp); PubMed 31725702 (cited by Labcorp Genetics (formerly Invitae), Labcorp); PubMed 32141364 (cited by Labcorp Genetics (formerly Invitae), Labcorp); PubMed 35119454 (cited by Labcorp Genetics (formerly Invitae), Labcorp); PubMed 24715752 (cited by Labcorp Genetics (formerly Invitae), Labcorp); PubMed 31427709 (cited by Labcorp Genetics (formerly Invitae), Labcorp).

NM_001252024.2(TRPM1):c.2848C>T (p.Arg950Trp)

Genes: TRPM1 (transient receptor potential cation channel subfamily M member 1; minus strand), TRPM1-AS1 (TRPM1 antisense RNA 1; plus strand). Cytogenetic location: 15q13.3.
Variant type: single nucleotide variant.
Coding change: c.2848C>T on transcript NM_001252024.2 (MANE Select); coding-DNA position 2848, C replaced by T.
Protein change: p.Arg950Trp; replaces arginine 950 with tryptophan.
Molecular consequence: missense variant.
Genome position (GRCh38, 1-based): chr15:31,032,793, G>A on the plus strand (C>T on the coding strand, the complement: TRPM1 is on the minus strand). VCF-style: chr15-31032793-G-A. GRCh37 (hg19) VCF-style: chr15-31324996-G-A.
Other names: c.2899C>T, p.Arg967Trp (NM_001252020.2); c.2782C>T, p.Arg928Trp (NM_002420.6); c.2899C>T (NM_001252020.1); short protein forms R928W, R950W, R967W.
Identifiers: ClinVar variation 167749 (VCV000167749.51), dbSNP rs727504182, ClinGen allele CA235015.